The following is an entry in ClinVar:

NM_005236.3(ERCC4):c.541G>A (p.Val181Met)

Gene: ERCC4 (ERCC excision repair 4, endonuclease catalytic subunit; plus strand). Cytogenetic location: 16p13.12.
Variant type: single nucleotide variant.
Coding change: c.541G>A on transcript NM_005236.3 (MANE Select); coding-DNA position 541, G replaced by A.
Protein change: p.Val181Met; replaces valine 181 with methionine.
Molecular consequence: missense variant.
Genome position (GRCh38, 1-based): chr16:13,926,713, G>A. VCF-style: chr16-13926713-G-A. GRCh37 (hg19) VCF-style: chr16-14020570-G-A.
Other names: short protein forms V181M.
Identifiers: ClinVar variation 1397332 (VCV001397332.6), dbSNP rs750673145, ClinGen allele CA7910217.

ClinVar aggregate classification (germline): Uncertain significance (1 of 4 stars; one submission).

Conditions:
Xeroderma pigmentosum, group F (XPF). Also called: XERODERMA PIGMENTOSUM VI; XP, GROUP F; XERODERMA PIGMENTOSUM, COMPLEMENTATION GROUP F; ERCC4-Related Xeroderma Pigmentosum; XERODERMA PIGMENTOSUM, TYPE F; Xeroderma pigmentosum, type 6. Identifiers: MedGen C0268140, MONDO:0010215, OMIM 278760.
Cockayne syndrome. Identifiers: Orphanet 191, MedGen C0009207, MONDO:0016006.
Fanconi anemia complementation group Q. Identifiers: Orphanet 84, MedGen C3808988, MONDO:0014108, OMIM 615272.

Allele frequency attached by ClinVar (database versions not stated): gnomAD 0.00001; TOPMed 0.00002.
gnomAD v4.1: 14 of 1,613,992 alleles (0.00087%); highest among the groups gnomAD compares: Non-Finnish European, 0.0012%; no homozygotes.

Submission:

Labcorp Genetics (formerly Invitae), Labcorp
Classification: Uncertain significance for Fanconi anemia complementation group Q; Xeroderma pigmentosum, group F; Cockayne syndrome. Last evaluated: 2024-10-21. Review status: criteria provided, single submitter. Criteria: Invitae Variant Classification Sherloc (09022015). Collection method: clinical testing. Allele origin: germline.
Comment: This sequence change replaces valine, which is neutral and non-polar, with methionine, which is neutral and non-polar, at codon 181 of the ERCC4 protein (p.Val181Met). This variant is present in population databases (rs750673145, gnomAD 0.003%). This variant has not been reported in the literature in individuals affected with ERCC4-related conditions. ClinVar contains an entry for this variant (Variation ID: 1397332). Invitae Evidence Modeling of protein sequence and biophysical properties (such as structural, functional, and spatial information, amino acid conservation, physicochemical variation, residue mobility, and thermodynamic stability) indicates that this missense variant is not expected to disrupt ERCC4 protein function with a negative predictive value of 80%. In summary, the available evidence is currently insufficient to determine the role of this variant in disease. Therefore, it has been classified as a Variant of Uncertain Significance.